The following is an entry in ClinVar:

ClinVar aggregate classification (germline): Uncertain significance (1 of 4 stars; one submission).

Conditions:
Peroxisome biogenesis disorder, complementation group K (CGK). Identifiers: MedGen C1866257, MONDO:0800365.

Submission:

Labcorp Genetics (formerly Invitae), Labcorp
Classification: Uncertain significance for Peroxisome biogenesis disorder, complementation group K. Last evaluated: 2022-02-10. Review status: criteria provided, single submitter. Criteria: Invitae Variant Classification Sherloc (09022015). Collection method: clinical testing. Allele origin: germline.
Comment: This sequence change replaces serine, which is neutral and polar, with cysteine, which is neutral and slightly polar, at codon 11 of the PEX14 protein (p.Ser11Cys). This variant is not present in population databases (gnomAD no frequency). This variant has not been reported in the literature in individuals affected with PEX14-related conditions. Algorithms developed to predict the effect of missense changes on protein structure and function are either unavailable or do not agree on the potential impact of this missense change (SIFT: "Tolerated"; PolyPhen-2: "Not Available"; Align-GVGD: "Class C0"). In summary, the available evidence is currently insufficient to determine the role of this variant in disease. Therefore, it has been classified as a Variant of Uncertain Significance.

NM_004565.3(PEX14):c.31A>T (p.Ser11Cys)

Gene: PEX14 (peroxisomal biogenesis factor 14; plus strand). Cytogenetic location: 1p36.22.
Variant type: single nucleotide variant.
Coding change: c.31A>T on transcript NM_004565.3 (MANE Select); coding-DNA position 31, A replaced by T.
Protein change: p.Ser11Cys; replaces serine 11 with cysteine.
Molecular consequence: missense variant.
Genome position (GRCh38, 1-based): chr1:10,474,997, A>T. VCF-style: chr1-10474997-A-T. GRCh37 (hg19) VCF-style: chr1-10535054-A-T.
Other names: short protein forms S11C.
Identifiers: ClinVar variation 1468486 (VCV001468486.5), dbSNP rs896802943, ClinGen allele CA338357199.
Genomic context (GRCh38, chr1:10,474,997, plus strand): 5'-GCGGCGGTTGATTAGTCAGGCCTCAGAAAGATGGCGTCCTCGGAGCAGGCAGAGCAGCCG[A>T]GCCAGGTAAGGGGAGTGGGACTGCCCCGCTGTGCGGCGGAGACCCCGGCTGGAGGGGGCG-3'
Protein context (NP_004556.1, residues 1-21): MASSEQAEQP[Ser11Cys]QPSSTPGSEN